The following is an entry in ClinVar:

NM_153460.4(IL17RC):c.794C>T (p.Thr265Ile)

Gene: IL17RC (interleukin 17 receptor C; plus strand). Cytogenetic location: 3p25.3.
Variant type: single nucleotide variant.
Coding change: c.794C>T on transcript NM_153460.4 (MANE Select); coding-DNA position 794, C replaced by T.
Protein change: p.Thr265Ile; replaces threonine 265 with isoleucine.
Molecular consequence: missense variant. On other transcripts: non-coding transcript variant (1).
Genome position (GRCh38, 1-based): chr3:9,924,263, C>T. VCF-style: chr3-9924263-C-T. GRCh37 (hg19) VCF-style: chr3-9965947-C-T.
Other names: c.794C>T, p.Thr265Ile (NM_001203263.2, NM_001203264.2); c.749C>T, p.Thr250Ile (NM_001203265.2, NM_001367280.1, NM_001410711.1 and 1 more transcripts); c.755C>T, p.Thr252Ile (NM_001367278.1); c.674C>T, p.Thr225Ile (NM_001367279.1); c.1007C>T, p.Thr336Ile (NM_153461.4); short protein forms T252I, T225I, T336I, T250I, T265I.
Identifiers: ClinVar variation 4708528 (VCV004708528.1).

ClinVar aggregate classification (germline): Uncertain significance (1 of 4 stars; one submission).

Conditions:
Candidiasis, familial, 9 (CANDF9). Identifiers: Orphanet 1334, MedGen C4225324, MONDO:0014642, OMIM 616445.

gnomAD v4.1: 2 of 1,613,966 alleles (0.00012%); highest among the groups gnomAD compares: African/African-American, 0.0027%; no homozygotes.

Submission:

Labcorp Genetics (formerly Invitae), Labcorp
Classification: Uncertain significance for Candidiasis, familial, 9. Last evaluated: 2025-03-27. Review status: criteria provided, single submitter. Criteria: Invitae Variant Classification Sherloc (09022015). Collection method: clinical testing. Allele origin: germline.
Comment: This sequence change replaces threonine, which is neutral and polar, with isoleucine, which is neutral and non-polar, at codon 336 of the IL17RC protein (p.Thr336Ile). This variant is not present in population databases (gnomAD no frequency). This variant has not been reported in the literature in individuals affected with IL17RC-related conditions. An algorithm developed to predict the effect of missense changes on protein structure and function (PolyPhen-2) suggests that this variant is likely to be disruptive. In summary, the available evidence is currently insufficient to determine the role of this variant in disease. Therefore, it has been classified as a Variant of Uncertain Significance.